The following is an entry in ClinVar:

ClinVar aggregate classification (germline): Uncertain significance (1 of 4 stars; one submission).

Allele frequency attached by ClinVar (database versions not stated): ExAC 0.00003; gnomAD exomes 0.00003 and 0.00008; gnomAD 0.00004; TOPMed 0.00004.
gnomAD v4.1: 122 of 1,612,972 alleles (0.0076%); highest among the groups gnomAD compares: Non-Finnish European, 0.0098%; no homozygotes.

Submission:

Labcorp Genetics (formerly Invitae), Labcorp
Classification: Uncertain significance. Last evaluated: 2022-03-18. Review status: criteria provided, single submitter. Criteria: Invitae Variant Classification Sherloc (09022015). Collection method: clinical testing. Allele origin: germline.
Comment: This sequence change replaces aspartic acid, which is acidic and polar, with valine, which is neutral and non-polar, at codon 99 of the AHR protein (p.Asp99Val). This variant is present in population databases (rs774406536, gnomAD 0.006%). This variant has not been reported in the literature in individuals affected with AHR-related conditions. Algorithms developed to predict the effect of missense changes on protein structure and function (SIFT, PolyPhen-2, Align-GVGD) all suggest that this variant is likely to be tolerated. Algorithms developed to predict the effect of sequence changes on RNA splicing suggest that this variant may create or strengthen a splice site. In summary, the available evidence is currently insufficient to determine the role of this variant in disease. Therefore, it has been classified as a Variant of Uncertain Significance.

NM_001621.5(AHR):c.296A>T (p.Asp99Val)

Gene: AHR (aryl hydrocarbon receptor; plus strand). Cytogenetic location: 7p21.1.
Variant type: single nucleotide variant.
Coding change: c.296A>T on transcript NM_001621.5 (MANE Select); coding-DNA position 296, A replaced by T.
Protein change: p.Asp99Val; replaces aspartic acid 99 with valine.
Molecular consequence: missense variant.
Genome position (GRCh38, 1-based): chr7:17,322,543, A>T. VCF-style: chr7-17322543-A-T. GRCh37 (hg19) VCF-style: chr7-17362167-A-T.
Other names: short protein forms D99V.
Identifiers: ClinVar variation 1426973 (VCV001426973.3), dbSNP rs774406536, ClinGen allele CA4171782.